The following is an entry in ClinVar:

NM_003482.4(KMT2D):c.2325G>C (p.Glu775Asp)

Gene: KMT2D (lysine methyltransferase 2D; minus strand). Cytogenetic location: 12q13.12.
Variant type: single nucleotide variant.
Coding change: c.2325G>C on transcript NM_003482.4 (MANE Select); coding-DNA position 2325, G replaced by C.
Protein change: p.Glu775Asp; replaces glutamic acid 775 with aspartic acid.
Molecular consequence: missense variant.
Genome position (GRCh38, 1-based): chr12:49,051,358, C>G on the plus strand (G>C on the coding strand, the complement: KMT2D is on the minus strand). VCF-style: chr12-49051358-C-G. GRCh37 (hg19) VCF-style: chr12-49445141-C-G.
Other names: short protein forms E775D.
Identifiers: ClinVar variation 3774699 (VCV003774699.1).

ClinVar aggregate classification (germline): Uncertain significance (1 of 4 stars; one submission).

Submission:

GeneDx
Classification: Uncertain significance. Last evaluated: 2024-09-25. Review status: criteria provided, single submitter. Criteria: GeneDx Variant Classification Process June 2021. Collection method: clinical testing. Allele origin: germline. Affected: yes.
Comment: Not observed at significant frequency in large population cohorts (gnomAD); In silico analysis indicates that this missense variant does not alter protein structure/function; Has not been previously published as pathogenic or benign to our knowledge